The following is an entry in ClinVar:

ClinVar aggregate classification (germline): Likely benign. Review status: reviewed by expert panel (3 of 4 stars). 9 submissions from 9 submitters: Likely benign (1). 8 of the submissions do not count toward it. Last evaluated 2025-01-30.

Conditions:
GUCY2D-related recessive retinopathy. Also called: Recessive GUCY2D retinopathy. Identifiers: MedGen CN305603, MONDO:0100453.
GUCY2D-related disorder. Also called: GUCY2D-related condition.
Cone-rod dystrophy 6 (CORD6). Also called: Cone dystrophy progressive; RETINAL CONE DYSTROPHY 2. Identifiers: Orphanet 1872, MedGen C1866293, MONDO:0011143, OMIM 601777.
Leber congenital amaurosis 1 (LCA1). Also called: AMAUROSIS CONGENITA OF LEBER I; Congenital absence of the rods and cones; Leber's congenital tapetoretinal degeneration; Leber's congenital tapetoretinal dysplasia; RETINAL BLINDNESS, CONGENITAL. Identifiers: Orphanet 65, MedGen C2931258, MONDO:0008764, OMIM 204000.

Allele frequency attached by ClinVar (database versions not stated): gnomAD exomes 0.00021 and 0.00104; ExAC 0.00027; gnomAD 0.00047 and 0.00057; TOPMed 0.00055; 1000 Genomes Project 30x 0.00219; 1000 Genomes Project 0.00240.
gnomAD v4.1: 385 of 1,521,734 alleles (0.025%); highest among the groups gnomAD compares: East Asian, 0.89%; 3 homozygotes.

Submissions (9):

ClinGen Leber Congenital Amaurosis/early Onset Retinal Dystrophy Variant Curation Expert Panel, ClinGen
Classification: Likely benign for GUCY2D-related recessive retinopathy. Last evaluated: 2025-01-30. Review status: reviewed by expert panel. Criteria: ClinGen LCAeoRD ACMG Specifications GUCY2D V1.0.0. Collection method: curation. Allele origin: germline. Inheritance: Autosomal recessive inheritance.
Comment: The NM_000180.4(GUCY2D):c.164C>T (p.Thr55Met) variant is predicted to replace the threonine at position p.55 with methionine. This variant is present in gnomAD v4.1.0 at a Grpmax allele frequency of 0.008088, with 341 alleles / 38476 total alleles in the East Asian population, which is higher than the ClinGen LCA/eoRD VCEP BS1 threshold of >0.0016 (BS1). This variant has been found in the homozygous state in 3 adult individuals in gnomAD which meets the LCA/eoRD VCEP threshold of ≥3 (gnomAD version 4.1.0; BS2_supporting). In addition, the reported frequency of this variant in the Vietnamese population is 1.5%. (PMID:31180159). The computational predictor REVEL gives a score of 0.409, which is below the ClinGen LCA / eoRD VCEP threshold of ≥0.644 and does not predict a damaging effect on GUCY2D function. Additionally, the splicing impact predictor SpliceAI gives a score of 0, which is below the ClinGen LCA / eoRD VCEP recommended threshold of ≥0.2 and does not strongly predict an impact on splicing. Several papers describing East Asian IRD cohorts (PMIDs: 21602930, 23847139) report the presence of the variant in patients but since this is the population with the highest reported allele frequency these papers were not counted toward PM3. In summary, this variant meets the criteria to be classified as Likely Benign for GUCY2D-related recessive retinopathy based on the ACMG/AMP criteria applied, as specified by the ClinGen LCA/eoRD VCEP: BS1. (VCEP specifications version 1.0.0; date of approval 01/22/2025).

PreventionGenetics, part of Exact Sciences
Classification: Likely benign for GUCY2D-related condition. Last evaluated: 2026-04-17. Review status: criteria provided, single submitter. Criteria: ACMG Guidelines, 2015. Collection method: clinical testing. Allele origin: germline. Not counted in ClinVar's aggregate classification.
Comment: This variant is classified as likely benign based on ACMG/AMP sequence variant interpretation guidelines (Richards et al. 2015 PMID: 25741868, with internal and published modifications).

Labcorp Genetics (formerly Invitae), Labcorp
Classification: Benign for Leber congenital amaurosis 1; Cone-rod dystrophy 6. Last evaluated: 2026-01-24. Review status: criteria provided, single submitter. Criteria: Invitae Variant Classification Sherloc (09022015). Collection method: clinical testing. Allele origin: germline. Not counted in ClinVar's aggregate classification.

Blueprint Genetics
Classification: Likely benign. Last evaluated: 2024-11-21. Review status: criteria provided, single submitter. Criteria: ACMG Guidelines, 2015. Collection method: clinical testing. Allele origin: germline. Not counted in ClinVar's aggregate classification.

Mendelics
Classification: Benign for Cone-rod dystrophy 6. Last evaluated: 2019-05-28. Review status: criteria provided, single submitter. Criteria: Mendelics Assertion Criteria 2017. Collection method: clinical testing. Allele origin: unknown. Not counted in ClinVar's aggregate classification.

Eurofins Ntd Llc (ga)
Classification: Uncertain significance. Last evaluated: 2016-02-18. Review status: criteria provided, single submitter. Criteria: EGL Classification Definitions 2015. Collection method: clinical testing. Allele origin: germline. Observed: 2 variant alleles, 2 heterozygotes. Not counted in ClinVar's aggregate classification.

Clinical Genetics DNA and cytogenetics Diagnostics Lab, Erasmus MC, Erasmus Medical Center
Classification: Benign. Review status: no assertion criteria provided. Collection method: clinical testing. Allele origin: germline. Affected: yes. Study: VKGL Data-share Consensus. Not counted in ClinVar's aggregate classification.

Clinical Genetics, Academic Medical Center
Classification: Likely benign. Review status: no assertion criteria provided. Collection method: clinical testing. Allele origin: germline. Affected: yes. Study: VKGL Data-share Consensus. Not counted in ClinVar's aggregate classification.

Department of Ophthalmology and Visual Sciences Kyoto University
Classification: Likely benign. Review status: no assertion criteria provided. Collection method: not provided. Allele origin: unknown. Not counted in ClinVar's aggregate classification.
ClinVar note: Converted during submission from probable-non-pathogenic to Likely benign.

NM_000180.4(GUCY2D):c.164C>T (p.Thr55Met)

Gene: GUCY2D (guanylate cyclase 2D, retinal; plus strand). Cytogenetic location: 17p13.1.
Variant type: single nucleotide variant.
Coding change: c.164C>T on transcript NM_000180.4 (MANE Select); coding-DNA position 164, C replaced by T.
Protein change: p.Thr55Met; replaces threonine 55 with methionine.
Molecular consequence: missense variant.
Genome position (GRCh38, 1-based): chr17:8,003,211, C>T. VCF-style: chr17-8003211-C-T. GRCh37 (hg19) VCF-style: chr17-7906529-C-T.
Other names: NM_000180.4(GUCY2D):c.164C>T; short protein forms T55M.
Identifiers: ClinVar variation 143061 (VCV000143061.22), dbSNP rs201414567, ClinGen allele CA232809.